The following is an entry in ClinVar:

NM_000782.5(CYP24A1):c.1513C>T (p.Arg505Trp)

Gene: CYP24A1 (cytochrome P450 family 24 subfamily A member 1; minus strand). Cytogenetic location: 20q13.2.
Variant type: single nucleotide variant.
Coding change: c.1513C>T on transcript NM_000782.5 (MANE Select); coding-DNA position 1513, C replaced by T.
Protein change: p.Arg505Trp; replaces arginine 505 with tryptophan.
Molecular consequence: missense variant.
Genome position (GRCh38, 1-based): chr20:54,157,211, G>A on the plus strand (C>T on the coding strand, the complement: CYP24A1 is on the minus strand). VCF-style: chr20-54157211-G-A. GRCh37 (hg19) VCF-style: chr20-52773750-G-A.
Other names: c.1315C>T, p.Arg439Trp (NM_001128915.2, NM_001424342.1, NM_001424343.1); c.1513C>T, p.Arg505Trp (NM_001424340.1, NM_001424341.1); short protein forms R439W, R505W.
Identifiers: ClinVar variation 3016767 (VCV003016767.3), dbSNP rs773181675, ClinGen allele CA9915749.

ClinVar aggregate classification (germline): Uncertain significance (1 of 4 stars; one submission).

Allele frequency attached by ClinVar (database versions not stated): ExAC 0.00002; TOPMed 0.00006; gnomAD 0.00009; gnomAD exomes 0.00013.
gnomAD v4.1: 203 of 1,611,528 alleles (0.013%); highest among the groups gnomAD compares: Non-Finnish European, 0.016%; no homozygotes.

Submission:

Labcorp Genetics (formerly Invitae), Labcorp
Classification: Uncertain significance. Last evaluated: 2025-03-17. Review status: criteria provided, single submitter. Criteria: Invitae Variant Classification Sherloc (09022015). Collection method: clinical testing. Allele origin: germline.
Comment: This sequence change replaces arginine, which is basic and polar, with tryptophan, which is neutral and slightly polar, at codon 505 of the CYP24A1 protein (p.Arg505Trp). This variant is present in population databases (rs773181675, gnomAD 0.006%). This variant has not been reported in the literature in individuals affected with CYP24A1-related conditions. ClinVar contains an entry for this variant (Variation ID: 3016767). Invitae Evidence Modeling of protein sequence and biophysical properties (such as structural, functional, and spatial information, amino acid conservation, physicochemical variation, residue mobility, and thermodynamic stability) indicates that this missense variant is expected to disrupt CYP24A1 protein function with a positive predictive value of 95%. In summary, the available evidence is currently insufficient to determine the role of this variant in disease. Therefore, it has been classified as a Variant of Uncertain Significance.